The following is an entry in ClinVar:

NM_005068.3(SIM1):c.1901A>G (p.Gln634Arg)

Gene: SIM1 (SIM bHLH transcription factor 1; minus strand). Cytogenetic location: 6q16.3.
Variant type: single nucleotide variant.
Coding change: c.1901A>G on transcript NM_005068.3 (MANE Select); coding-DNA position 1901, A replaced by G.
Protein change: p.Gln634Arg; replaces glutamine 634 with arginine.
Molecular consequence: missense variant.
Genome position (GRCh38, 1-based): chr6:100,390,761, T>C on the plus strand (A>G on the coding strand, the complement: SIM1 is on the minus strand). VCF-style: chr6-100390761-T-C. GRCh37 (hg19) VCF-style: chr6-100838637-T-C.
Other names: c.1901A>G, p.Gln634Arg (NM_001374769.1); short protein forms Q634R.
Identifiers: ClinVar variation 4992345 (VCV004992345.1).

ClinVar aggregate classification (germline): Uncertain significance (1 of 4 stars; one submission).

Conditions:
SIM1-related disorder. Also called: SIM1-related disorders; SIM1-related condition.

Submission:

PreventionGenetics, part of Exact Sciences
Classification: Uncertain significance for SIM1-related condition. Last evaluated: 2026-03-22. Review status: criteria provided, single submitter. Criteria: ACMG Guidelines, 2015. Collection method: clinical testing. Allele origin: germline.
Comment: The SIM1 c.1901A>G variant is predicted to result in the amino acid substitution p.Gln634Arg. To our knowledge, this variant has not been reported in the literature or in a large population database (gnomAD), indicating this variant is rare. At this time, the clinical significance of this variant is uncertain due to the absence of conclusive functional and genetic evidence.